The following is an entry in ClinVar:

ClinVar aggregate classification (germline): Uncertain significance. Review status: criteria provided, multiple submitters, no conflicts (2 of 4 stars). 2 submissions from 2 submitters: Uncertain significance (2). Last evaluated 2025-09-03.

Conditions:
Catecholaminergic polymorphic ventricular tachycardia 1. Also called: RYR2-Related Catecholaminergic Polymorphic Ventricular Tachycardia; VENTRICULAR TACHYCARDIA, CATECHOLAMINERGIC POLYMORPHIC, 1, WITH OR WITHOUT ATRIAL DYSFUNCTION AND/OR DILATED CARDIOMYOPATHY; VENTRICULAR TACHYCARDIA, STRESS-INDUCED POLYMORPHIC 1. Identifiers: Orphanet 3286, MedGen C1631597, MONDO:0011484, OMIM 604772.
Cardiomyopathy (CMYO). Also called: Cardiomyopathies. Identifiers: Orphanet 167848, MedGen C0878544, MONDO:0004994, HP:0001638. Inheritance: Various modes of inheritance.

Allele frequency attached by ClinVar (database versions not stated): ExAC 0.00001.
gnomAD v4.1: 5 of 1,612,478 alleles (0.00031%); highest among the groups gnomAD compares: South Asian, 0.0022%; no homozygotes.

Submissions (2):

Color Diagnostics, LLC DBA Color Health
Classification: Uncertain significance for Cardiomyopathy. Last evaluated: 2025-09-03. Review status: criteria provided, single submitter. Criteria: ACMG Guidelines, 2015. Collection method: clinical testing. Allele origin: germline.
Comment: This missense variant replaces proline with serine at codon 1584 of the RYR2 protein. Computational prediction suggests that this variant may have deleterious impact on protein structure and function. To our knowledge, functional studies have not been reported for this variant. This variant has not been reported in individuals affected with RYR2-related disorders in the literature. This variant has been identified in 3/278006 chromosomes in the general population by the Genome Aggregation Database (gnomAD). The available evidence is insufficient to determine the role of this variant in disease conclusively. Therefore, this variant is classified as a Variant of Uncertain Significance.

Labcorp Genetics (formerly Invitae), Labcorp
Classification: Uncertain significance for Catecholaminergic polymorphic ventricular tachycardia 1. Last evaluated: 2023-12-14. Review status: criteria provided, single submitter. Criteria: Invitae Variant Classification Sherloc (09022015). Collection method: clinical testing. Allele origin: germline.
Comment: This sequence change replaces proline, which is neutral and non-polar, with serine, which is neutral and polar, at codon 1584 of the RYR2 protein (p.Pro1584Ser). This variant is present in population databases (rs745824179, gnomAD 0.007%). This variant has not been reported in the literature in individuals affected with RYR2-related conditions. Advanced modeling of protein sequence and biophysical properties (such as structural, functional, and spatial information, amino acid conservation, physicochemical variation, residue mobility, and thermodynamic stability) performed at Invitae indicates that this missense variant is expected to disrupt RYR2 protein function with a positive predictive value of 95%. In summary, the available evidence is currently insufficient to determine the role of this variant in disease. Therefore, it has been classified as a Variant of Uncertain Significance.

NM_001035.3(RYR2):c.4750C>T (p.Pro1584Ser)

Gene: RYR2 (ryanodine receptor 2; plus strand). Cytogenetic location: 1q43.
Variant type: single nucleotide variant.
Coding change: c.4750C>T on transcript NM_001035.3 (MANE Select); coding-DNA position 4750, C replaced by T.
Protein change: p.Pro1584Ser; replaces proline 1584 with serine.
Molecular consequence: missense variant.
Genome position (GRCh38, 1-based): chr1:237,610,828, C>T. VCF-style: chr1-237610828-C-T. GRCh37 (hg19) VCF-style: chr1-237774128-C-T.
Other names: short protein forms P1584S.
Identifiers: ClinVar variation 2884805 (VCV002884805.4), dbSNP rs745824179, ClinGen allele CA086726.